The following is an entry in ClinVar:

ClinVar aggregate classification (germline): Uncertain significance (1 of 4 stars; one submission).

gnomAD v4.1: 1 of 1,612,772 alleles (0.000062%); highest among the groups gnomAD compares: Non-Finnish European, 0.000085%; no homozygotes.

Submission:

Labcorp Genetics (formerly Invitae), Labcorp
Classification: Uncertain significance. Last evaluated: 2020-03-25. Review status: criteria provided, single submitter. Criteria: Invitae Variant Classification Sherloc (09022015). Collection method: clinical testing. Allele origin: germline.
Comment: In summary, the available evidence is currently insufficient to determine the role of this variant in disease. Therefore, it has been classified as a Variant of Uncertain Significance. Algorithms developed to predict the effect of missense changes on protein structure and function are either unavailable or do not agree on the potential impact of this missense change (SIFT: "Deleterious"; PolyPhen-2: "Probably Damaging"; Align-GVGD: "Class C0"). This variant has not been reported in the literature in individuals with CACNA2D4-related conditions. This variant is not present in population databases (ExAC no frequency). This sequence change replaces arginine with tryptophan at codon 1092 of the CACNA2D4 protein (p.Arg1092Trp). The arginine residue is moderately conserved and there is a moderate physicochemical difference between arginine and tryptophan.

NM_172364.5(CACNA2D4):c.3274C>T (p.Arg1092Trp)

Gene: CACNA2D4 (calcium voltage-gated channel auxiliary subunit alpha2delta 4; minus strand). Cytogenetic location: 12p13.33.
Variant type: single nucleotide variant.
Coding change: c.3274C>T on transcript NM_172364.5 (MANE Select); coding-DNA position 3274, C replaced by T.
Protein change: p.Arg1092Trp; replaces arginine 1092 with tryptophan.
Molecular consequence: missense variant.
Genome position (GRCh38, 1-based): chr12:1,795,334, G>A on the plus strand (C>T on the coding strand, the complement: CACNA2D4 is on the minus strand). VCF-style: chr12-1795334-G-A. GRCh37 (hg19) VCF-style: chr12-1904500-G-A.
Other names: short protein forms R1092W.
Identifiers: ClinVar variation 1025102 (VCV001025102.8), dbSNP rs199937116, ClinGen allele CA383348044.
Genomic context (GRCh38, chr12:1,795,334, plus strand): 5'-ACCCTCGATCCGCCTCAACCCGCACCTCTGGATGGAAGGCGTGGCAGGAGTCTGGTCGCC[G>A]GCGGAGCTTCTGGGAGCGCATCCGGTCACATTTGACAGAGGCATTATGTGCAGAAGCCAC-3'
Protein context (NP_758952.4, residues 1082-1102): CDRMRSQKLR[Arg1092Trp]RPDSCHAFHP